The following is an entry in ClinVar:

NM_182758.4(WDR72):c.2942A>G (p.Gln981Arg)

Gene: WDR72 (WD repeat domain 72; minus strand). Cytogenetic location: 15q21.3.
Variant type: single nucleotide variant.
Coding change: c.2942A>G on transcript NM_182758.4 (MANE Select); coding-DNA position 2942, A replaced by G.
Protein change: p.Gln981Arg; replaces glutamine 981 with arginine.
Molecular consequence: missense variant. On other transcripts: non-coding transcript variant (1).
Genome position (GRCh38, 1-based): chr15:53,609,523, T>C on the plus strand (A>G on the coding strand, the complement: WDR72 is on the minus strand). VCF-style: chr15-53609523-T-C. GRCh37 (hg19) VCF-style: chr15-53901720-T-C.
Other names: NC_000015.9:g.53901720T>C; short protein forms Q981R.
Identifiers: ClinVar variation 885633 (VCV000885633.6), dbSNP rs188590145, ClinGen allele CA7570734.
Genomic context (GRCh38, chr15:53,609,523, plus strand): 5'-AGCAGCAAGGAACTCTTCTAATAACGTCATGAATGTGAATTATATCATACCTGCACAGAC[T>C]GGTCTCTCCAACAGGAAATTAGCTTCAAAAGTGAAAGGTCAGCCTCAGGTACATGGGATT-3'
Protein context (NP_877435.3, residues 971-991): LLKLISCWRD[Gln981Arg]SVQVTEAIQA

ClinVar aggregate classification (germline): Likely benign. Review status: criteria provided, multiple submitters, no conflicts (2 of 4 stars). 2 submissions from 2 submitters: Likely benign (2). Last evaluated 2026-09-09.

Conditions:
WDR72-related disorder. Also called: WDR72-related condition.
Amelogenesis imperfecta hypomaturation type 2A3. Also called: Amelogenesis imperfecta, type IIA3. Identifiers: Orphanet 88661, MedGen C2750771, MONDO:0013181, OMIM 613211. Disease mechanism: loss of function.

Allele frequency attached by ClinVar (database versions not stated): gnomAD 0.00053 and 0.00070; TOPMed 0.00119; 1000 Genomes Project 30x 0.00172; ExAC 0.00180; gnomAD exomes 0.00181; 1000 Genomes Project 0.00200.
gnomAD v4.1: 884 of 1,613,376 alleles (0.055%); highest among the groups gnomAD compares: East Asian, 1.8%; 7 homozygotes.

Submissions (3):

PreventionGenetics, part of Exact Sciences
Classification: Likely benign for WDR72-related condition. Last evaluated: 2026-09-09. Review status: criteria provided, single submitter. Criteria: ACMG Guidelines, 2015. Collection method: clinical testing. Allele origin: germline.
Comment: This variant is classified as likely benign based on ACMG/AMP sequence variant interpretation guidelines (Richards et al. 2015 PMID: 25741868, with internal and published modifications).

Illumina Laboratory Services, Illumina
Classification: Likely benign for Amelogenesis imperfecta hypomaturation type 2A3. Last evaluated: 2018-01-13. Review status: criteria provided, single submitter. Criteria: ICSL Variant Classification Criteria 13 December 2019. Collection method: clinical testing. Allele origin: germline.
Comment: This variant was observed in the ICSL laboratory as part of a predisposition screen in an ostensibly healthy population. It had not been previously curated by ICSL or reported in the Human Gene Mutation Database (HGMD: prior to June 1st, 2018), and was therefore a candidate for classification through an automated scoring system. Utilizing variant allele frequency, disease prevalence and penetrance estimates, and inheritance mode, an automated score was calculated to assess if this variant is too frequent to cause the disease. Based on the score and internal cut-off values, a variant classified as likely benign is not then subjected to further curation. The score for this variant resulted in a classification of likely benign for this disease.

Dr. Peter K. Rogan Lab, Western University
No classification provided (evidence only). Condition: Gastric cancer. Review status: no classification provided. Collection method: in vitro. Allele origin: not applicable. Functional consequence: retained intron. Not counted in ClinVar's aggregate classification.